The following is an entry in ClinVar:

ClinVar aggregate classification (germline): Uncertain significance (1 of 4 stars; one submission).

Conditions:
MEGF8-related Carpenter syndrome. Also called: Carpenter syndrome 2. Identifiers: Orphanet 65759, MedGen C3554247, MONDO:0013998, OMIM 614976.

Allele frequency attached by ClinVar (database versions not stated): TOPMed below 0.00001; gnomAD 0.00001 and 0.00004; gnomAD exomes 0.00004 and 0.00007; ESP Exome Variant Server 0.00008; ExAC 0.00010.
gnomAD v4.1: 64 of 1,582,818 alleles (0.004%); highest among the groups gnomAD compares: South Asian, 0.04%; 2 homozygotes.

Submission:

Labcorp Genetics (formerly Invitae), Labcorp
Classification: Uncertain significance for MEGF8-related Carpenter syndrome. Last evaluated: 2021-03-17. Review status: criteria provided, single submitter. Criteria: Invitae Variant Classification Sherloc (09022015). Collection method: clinical testing. Allele origin: germline.
Comment: In summary, the available evidence is currently insufficient to determine the role of this variant in disease. Therefore, it has been classified as a Variant of Uncertain Significance. Algorithms developed to predict the effect of missense changes on protein structure and function are either unavailable or do not agree on the potential impact of this missense change (SIFT: "Deleterious"; PolyPhen-2: "Possibly Damaging"; Align-GVGD: "Class C0"). This variant has not been reported in the literature in individuals with MEGF8-related conditions. This variant is present in population databases (rs377750684, ExAC 0.03%). This sequence change replaces glutamic acid with lysine at codon 1171 of the MEGF8 protein (p.Glu1171Lys). The glutamic acid residue is moderately conserved and there is a small physicochemical difference between glutamic acid and lysine.

NM_001271938.2(MEGF8):c.3712G>A (p.Glu1238Lys)

Gene: MEGF8 (multiple EGF like domains 8; plus strand). Cytogenetic location: 19q13.2.
Variant type: single nucleotide variant.
Coding change: c.3712G>A on transcript NM_001271938.2 (MANE Select); coding-DNA position 3712, G replaced by A.
Protein change: p.Glu1238Lys; replaces glutamic acid 1238 with lysine.
Molecular consequence: missense variant.
Genome position (GRCh38, 1-based): chr19:42,353,626, G>A. VCF-style: chr19-42353626-G-A. GRCh37 (hg19) VCF-style: chr19-42857778-G-A.
Other names: c.3511G>A, p.Glu1171Lys (NM_001410.3); short protein forms E1171K, E1238K.
Identifiers: ClinVar variation 1487900 (VCV001487900.6), dbSNP rs377750684, ClinGen allele CA9475052.